The following is an entry in ClinVar:

NM_025114.4(CEP290):c.5942_5943del (p.Glu1981fs)

Gene: CEP290 (centrosomal protein 290; minus strand). Cytogenetic location: 12q21.32.
Variant type: Deletion.
Coding change: c.5942_5943del on transcript NM_025114.4 (MANE Select); coding-DNA positions 5942 to 5943, 2 bases deleted (AG; older notation c.5942_5943delAG).
Protein change: p.Glu1981fs; shifts the reading frame from glutamic acid 1981.
Molecular consequence: frameshift variant.
Genome position (GRCh38, 1-based): chr12:88,071,362-88,071,363, CT deleted on the plus strand (AG on the coding strand, the reverse complement: CEP290 is on the minus strand); deleting any 2 consecutive bases within chr12:88,071,362-88,071,364 gives the same sequence; the c. name uses the placement nearest the transcript's 3' end. VCF-style (leftmost placement, unchanged base first): chr12-88071361-ACT-A. GRCh37 (hg19) VCF-style: chr12-88465138-ACT-A.
Other names: short protein forms E1981fs.
Identifiers: ClinVar variation 3763498 (VCV003763498.2).

ClinVar aggregate classification (germline): Pathogenic (1 of 4 stars; one submission).

Conditions:
Joubert syndrome. Also called: CEREBELLOPARENCHYMAL DISORDER IV; JOUBERT-BOLTSHAUSER SYNDROME; Familial aplasia of the vermis. Identifiers: Orphanet 475, MedGen C5979921, MONDO:0018772.
Nephronophthisis. Also called: Juvenile Nephronophthisis. Identifiers: Orphanet 655, MedGen C0687120, MONDO:0019005, HP:0000090.
Meckel-Gruber syndrome. Also called: DYSENCEPHALIA SPLANCHNOCYSTICA; GRUBER SYNDROME; Dysencephalia splachnocystica. Identifiers: Orphanet 564, MedGen C0265215, MONDO:0018921.

Submission:

Labcorp Genetics (formerly Invitae), Labcorp
Classification: Pathogenic for Joubert syndrome; Meckel-Gruber syndrome; Nephronophthisis. Last evaluated: 2024-06-30. Review status: criteria provided, single submitter. Criteria: Invitae Variant Classification Sherloc (09022015). Collection method: clinical testing. Allele origin: germline.
Comment: This sequence change creates a premature translational stop signal (p.Glu1981Valfs*14) in the CEP290 gene. It is expected to result in an absent or disrupted protein product. Loss-of-function variants in CEP290 are known to be pathogenic (PMID: 16909394, 17345604, 20690115). This variant is not present in population databases (gnomAD no frequency). This variant has not been reported in the literature in individuals affected with CEP290-related conditions. Algorithms developed to predict the effect of sequence changes on RNA splicing suggest that this variant may disrupt the consensus splice site. For these reasons, this variant has been classified as Pathogenic.

Literature cited by the submitters: PubMed 16909394; PubMed 17345604; PubMed 20690115.